The following is an entry in ClinVar:

NM_007294.4(BRCA1):c.176C>T (p.Ser59Leu)

Gene: BRCA1 (BRCA1 DNA repair associated; minus strand). Cytogenetic location: 17q21.31.
Variant type: single nucleotide variant.
Coding change: c.176C>T on transcript NM_007294.4 (MANE Select); coding-DNA position 176, C replaced by T.
Protein change: p.Ser59Leu; replaces serine 59 with leucine.
Molecular consequence: missense variant. On other transcripts: non-coding transcript variant (1).
Genome position (GRCh38, 1-based): chr17:43,106,492, G>A on the plus strand (C>T on the coding strand, the complement: BRCA1 is on the minus strand). VCF-style: chr17-43106492-G-A. GRCh37 (hg19) VCF-style: chr17-41258509-G-A.
Other names: c.-13C>T (NM_001407571.1, NM_001407853.1, NM_001407950.1 and 58 more transcripts); c.176C>T, p.Ser59Leu (NM_001407581.1, NM_001407582.1, NM_001407583.1 and 168 more transcripts); c.35C>T, p.Ser12Leu (NM_001407692.1, NM_001407694.1, NM_001407695.1 and 99 more transcripts); short protein forms S12L, S59L.
Identifiers: ClinVar variation 820046 (VCV000820046.12), dbSNP rs199522616, ClinGen allele CA054201.

ClinVar aggregate classification (germline): Conflicting classifications of pathogenicity. Review status: criteria provided, conflicting classifications (1 of 4 stars). 4 submissions from 4 submitters: Uncertain significance (3); Likely benign (1). Last evaluated 2023-10-16.

Conditions:
Hereditary breast ovarian cancer syndrome. Also called: BRCA1- and BRCA2-Associated Hereditary Breast and Ovarian Cancer; Hereditary breast and ovarian cancer syndrome (HBOC); Hereditary breast and ovarian cancer syndrome; Breast and ovarian cancer; Hereditary breast and ovarian cancer; Hereditary breast and/or ovarian cancer syndrome. Identifiers: Orphanet 145, MedGen C0677776, MeSH D061325, MONDO:0003582. Disease mechanism: loss of function.
Hereditary cancer-predisposing syndrome. Also called: Hereditary Cancer Syndrome; Hereditary neoplastic syndrome; Neoplastic Syndromes, Hereditary; Tumor predisposition. Identifiers: Orphanet 140162, MedGen C0027672, MeSH D009386, MONDO:0015356.
Breast-ovarian cancer, familial, susceptibility to, 1 (BROVCA1). Also called: OVARIAN CANCER, SUSCEPTIBILITY TO; BRCA1 Hereditary Breast and Ovarian Cancer. Identifiers: Orphanet 145, MedGen C2676676, MONDO:0011450, OMIM 604370. Disease mechanism: loss of function.

Allele frequency attached by ClinVar (database versions not stated): gnomAD exomes below 0.00001; ExAC 0.00001; gnomAD 0.00001; 1000 Genomes Project 30x 0.00016; 1000 Genomes Project 0.00020.
gnomAD v4.1: 7 of 1,604,856 alleles (0.00044%); highest among the groups gnomAD compares: Non-Finnish European, 0.0006%; no homozygotes.

Submissions (5):

Baylor Genetics
Classification: Uncertain significance for Breast-ovarian cancer, familial, susceptibility to, 1. Last evaluated: 2023-10-16. Review status: criteria provided, single submitter. Criteria: ACMG Guidelines, 2015. Collection method: clinical testing. Allele origin: unknown.

Ambry Genetics
Classification: Likely benign for Hereditary cancer-predisposing syndrome. Last evaluated: 2022-05-12. Review status: criteria provided, single submitter. Criteria: Ambry Variant Classification Scheme 2023. Collection method: clinical testing. Allele origin: germline.

GeneDx
Classification: Uncertain significance. Last evaluated: 2022-04-28. Review status: criteria provided, single submitter. Criteria: GeneDx Variant Classification Process June 2021. Collection method: clinical testing. Allele origin: germline. Affected: yes.
Comment: Published functional studies demonstrate no damaging effect: variant classified as functional based on a saturation genome editing (SGE) assay measuring cell survival (Findlay 2018); Not observed at significant frequency in large population cohorts (gnomAD); In-silico analysis is inconclusive as to whether the variant alters gene splicing. In the absence of RNA/functional studies, the actual effect of this sequence change is unknown.; In silico analysis supports that this missense variant has a deleterious effect on protein structure/function; Variant identified in an individual with breast cancer (Wan 2020); Also known as 295C>T; This variant is associated with the following publications: (PMID: 20104584, 30209399, 24389207, 32803532, 8944023)

Breast Center, Key Laboratory of Carcinogenesis and Translational Research
Classification: Uncertain significance for Hereditary breast and ovarian cancer syndrome. Last evaluated: 2020-05-01. Review status: criteria provided, single submitter. Criteria: ACMG Guidelines, 2015. Collection method: clinical testing. Allele origin: germline. Observed: 1 variant allele.

Brotman Baty Institute, University of Washington
No classification provided (evidence only). Condition: Breast-ovarian cancer, familial 1. Review status: no classification provided. Collection method: in vitro. Allele origin: not applicable. Functional consequence: functionally_normal. Not counted in ClinVar's aggregate classification.
ClinVar note: "not provided" was previously submitted as the classification for the variant. However, the classification appeared to be based only on an observation of functional data so it was converted to no classification on 2025-07-30.

Literature cited by the submitters: PubMed 30209399 (cited by Ambry Genetics and Breast Center, Key Laboratory of Carcinogenesis and Translational Research).